The following is an entry in ClinVar:

ClinVar aggregate classification (germline): Uncertain significance (1 of 4 stars; one submission).

Conditions:
Brugada syndrome 8 (BRGDA8). Identifiers: Orphanet 130, MedGen C2751083, MONDO:0013148, OMIM 613123.

Submission:

Labcorp Genetics (formerly Invitae), Labcorp
Classification: Uncertain significance for Brugada syndrome 8. Last evaluated: 2025-11-11. Review status: criteria provided, single submitter. Criteria: Invitae Variant Classification Sherloc (09022015). Collection method: clinical testing. Allele origin: germline.
Comment: This sequence change replaces glycine, which is neutral and non-polar, with serine, which is neutral and polar, at codon 561 of the HCN4 protein (p.Gly561Ser). This variant is not present in population databases (gnomAD no frequency). This variant has not been reported in the literature in individuals affected with HCN4-related conditions. Invitae Evidence Modeling of protein sequence and biophysical properties (such as structural, functional, and spatial information, amino acid conservation, physicochemical variation, residue mobility, and thermodynamic stability) indicates that this missense variant is expected to disrupt HCN4 protein function with a positive predictive value of 95%. In summary, the available evidence is currently insufficient to determine the role of this variant in disease. Therefore, it has been classified as a Variant of Uncertain Significance.

NM_005477.3(HCN4):c.1681G>A (p.Gly561Ser)

Gene: HCN4 (hyperpolarization activated cyclic nucleotide gated potassium channel 4; minus strand). Cytogenetic location: 15q24.1.
Variant type: single nucleotide variant.
Coding change: c.1681G>A on transcript NM_005477.3 (MANE Select); coding-DNA position 1681, G replaced by A.
Protein change: p.Gly561Ser; replaces glycine 561 with serine.
Molecular consequence: missense variant.
Genome position (GRCh38, 1-based): chr15:73,325,354, C>T on the plus strand (G>A on the coding strand, the complement: HCN4 is on the minus strand). VCF-style: chr15-73325354-C-T. GRCh37 (hg19) VCF-style: chr15-73617695-C-T.
Other names: short protein forms G561S.
Identifiers: ClinVar variation 4709581 (VCV004709581.1).